The following is an entry in ClinVar:

ClinVar aggregate classification (germline): Uncertain significance (1 of 4 stars; one submission).

Conditions:
Gastrointestinal stromal tumor. Also called: Gastrointestinal stromal tumor, somatic; Gastrointestinal stroma tumor. Identifiers: Orphanet 44890, MedGen C0238198, MeSH D046152, MONDO:0011719, OMIM 606764, HP:0100723.

Submission:

Labcorp Genetics (formerly Invitae), Labcorp
Classification: Uncertain significance for Gastrointestinal stromal tumor. Last evaluated: 2024-03-02. Review status: criteria provided, single submitter. Criteria: Invitae Variant Classification Sherloc (09022015). Collection method: clinical testing. Allele origin: germline.
Comment: This sequence change replaces methionine, which is neutral and non-polar, with leucine, which is neutral and non-polar, at codon 889 of the KIT protein (p.Met889Leu). This variant is not present in population databases (gnomAD no frequency). This variant has not been reported in the literature in individuals affected with KIT-related conditions. An algorithm developed to predict the effect of missense changes on protein structure and function (PolyPhen-2) suggests that this variant is likely to be disruptive. In summary, the available evidence is currently insufficient to determine the role of this variant in disease. Therefore, it has been classified as a Variant of Uncertain Significance.

NM_000222.3(KIT):c.2665A>C (p.Met889Leu)

Gene: KIT (KIT proto-oncogene, receptor tyrosine kinase; plus strand). Cytogenetic location: 4q12.
Variant type: single nucleotide variant.
Coding change: c.2665A>C on transcript NM_000222.3 (MANE Select); coding-DNA position 2665, A replaced by C.
Protein change: p.Met889Leu; replaces methionine 889 with leucine.
Molecular consequence: missense variant.
Genome position (GRCh38, 1-based): chr4:54,736,789, A>C. VCF-style: chr4-54736789-A-C. GRCh37 (hg19) VCF-style: chr4-55602955-A-C.
Other names: c.2653A>C, p.Met885Leu (NM_001093772.2, NM_001385292.1); c.2668A>C, p.Met890Leu (NM_001385284.1); c.2662A>C, p.Met888Leu (NM_001385285.1); c.2650A>C, p.Met884Leu (NM_001385286.1); c.2656A>C, p.Met886Leu (NM_001385288.1); c.2665A>C, p.Met889Leu (NM_001385290.1); short protein forms M884L, M886L, M888L, M890L, M889L, M885L.
Identifiers: ClinVar variation 3643880 (VCV003643880.2).
Genomic context (GRCh38, chr4:54,736,789, plus strand): 5'-CCCTATCCTGGAATGCCGGTCGATTCTAAGTTCTACAAGATGATCAAGGAAGGCTTCCGG[A>C]TGCTCAGCCCTGAACACGCACCTGCTGAAATGTAAGAGCCAAAAAATTTTTCCTTTAGGT-3'
Protein context (NP_000213.1, residues 879-899): FYKMIKEGFR[Met889Leu]LSPEHAPAEM